The following is an entry in ClinVar:

NM_003737.4(DCHS1):c.9260A>G (p.Asp3087Gly)

Gene: DCHS1 (dachsous cadherin-related 1; minus strand). Cytogenetic location: 11p15.4.
Variant type: single nucleotide variant.
Coding change: c.9260A>G on transcript NM_003737.4 (MANE Select); coding-DNA position 9260, A replaced by G.
Protein change: p.Asp3087Gly; replaces aspartic acid 3087 with glycine.
Molecular consequence: missense variant.
Genome position (GRCh38, 1-based): chr11:6,622,416, T>C on the plus strand (A>G on the coding strand, the complement: DCHS1 is on the minus strand). VCF-style: chr11-6622416-T-C. GRCh37 (hg19) VCF-style: chr11-6643647-T-C.
Other names: short protein forms D3087G.
Identifiers: ClinVar variation 3661091 (VCV003661091.2).

ClinVar aggregate classification (germline): Uncertain significance (1 of 4 stars; one submission).

Submission:

Labcorp Genetics (formerly Invitae), Labcorp
Classification: Uncertain significance. Last evaluated: 2024-08-14. Review status: criteria provided, single submitter. Criteria: Invitae Variant Classification Sherloc (09022015). Collection method: clinical testing. Allele origin: germline.
Comment: This sequence change replaces aspartic acid, which is acidic and polar, with glycine, which is neutral and non-polar, at codon 3087 of the DCHS1 protein (p.Asp3087Gly). This variant is not present in population databases (gnomAD no frequency). This variant has not been reported in the literature in individuals affected with DCHS1-related conditions. Invitae Evidence Modeling of protein sequence and biophysical properties (such as structural, functional, and spatial information, amino acid conservation, physicochemical variation, residue mobility, and thermodynamic stability) indicates that this missense variant is not expected to disrupt DCHS1 protein function with a negative predictive value of 80%. In summary, the available evidence is currently insufficient to determine the role of this variant in disease. Therefore, it has been classified as a Variant of Uncertain Significance.